The following is an entry in ClinVar:

NM_006230.4(POLD2):c.1301C>G (p.Thr434Arg)

Gene: POLD2 (DNA polymerase delta 2, accessory subunit; minus strand). Cytogenetic location: 7p13.
Variant type: single nucleotide variant.
Coding change: c.1301C>G on transcript NM_006230.4 (MANE Select); coding-DNA position 1301, C replaced by G.
Protein change: p.Thr434Arg; replaces threonine 434 with arginine.
Molecular consequence: missense variant.
Genome position (GRCh38, 1-based): chr7:44,114,894, G>C on the plus strand (C>G on the coding strand, the complement: POLD2 is on the minus strand). VCF-style: chr7-44114894-G-C. GRCh37 (hg19) VCF-style: chr7-44154493-G-C.
Other names: c.1301C>G (NM_001127218.1); c.1301C>G, p.Thr434Arg (NM_001127218.3, NM_001256879.2); short protein forms T434R.
Identifiers: ClinVar variation 2085685 (VCV002085685.5), dbSNP rs767143565, ClinGen allele CA4238557.

ClinVar aggregate classification (germline): Uncertain significance. Review status: criteria provided, multiple submitters, no conflicts (2 of 4 stars). 2 submissions from 2 submitters: Uncertain significance (2). Last evaluated 2025-08-04.

gnomAD v4.1: 7 of 1,613,722 alleles (0.00043%); highest among the groups gnomAD compares: Admixed American, 0.0067%; 1 homozygote.

Submissions (2):

Ambry Genetics
Classification: Uncertain significance. Last evaluated: 2025-08-04. Review status: criteria provided, single submitter. Criteria: Ambry Variant Classification Scheme 2023. Collection method: clinical testing. Allele origin: germline.

Labcorp Genetics (formerly Invitae), Labcorp
Classification: Uncertain significance. Last evaluated: 2025-07-20. Review status: criteria provided, single submitter. Criteria: Invitae Variant Classification Sherloc (09022015). Collection method: clinical testing. Allele origin: germline.
Comment: This sequence change replaces threonine, which is neutral and polar, with arginine, which is basic and polar, at codon 469 of the POLD2 protein (p.Thr469Arg). This variant is present in population databases (rs767143565, gnomAD 0.003%). This variant has not been reported in the literature in individuals affected with POLD2-related conditions. ClinVar contains an entry for this variant (Variation ID: 2085685). Experimental studies and prediction algorithms are not available or were not evaluated, and the functional significance of this variant is currently unknown. In summary, the available evidence is currently insufficient to determine the role of this variant in disease. Therefore, it has been classified as a Variant of Uncertain Significance.